The following is an entry in ClinVar:

NM_001378454.1(ALMS1):c.5449C>T (p.Gln1817Ter)

Gene: ALMS1 (ALMS1 centrosome and basal body associated protein; plus strand). Cytogenetic location: 2p13.1.
Variant type: single nucleotide variant.
Coding change: c.5449C>T on transcript NM_001378454.1 (MANE Select); coding-DNA position 5449, C replaced by T.
Protein change: p.Gln1817Ter; replaces glutamine 1817 with a stop codon.
Molecular consequence: nonsense.
Genome position (GRCh38, 1-based): chr2:73,451,976, C>T. VCF-style: chr2-73451976-C-T. GRCh37 (hg19) VCF-style: chr2-73679103-C-T.
Other names: c.5452C>T, p.Gln1818Ter (NM_015120.4); short protein forms Q1818*, Q1817*.
Identifiers: ClinVar variation 4711888 (VCV004711888.1).

ClinVar aggregate classification (germline): Pathogenic (1 of 4 stars; one submission).

Conditions:
Alstrom syndrome (ALMS). Identifiers: Orphanet 64, MedGen C0268425, MONDO:0008763, OMIM 203800.

Submission:

Labcorp Genetics (formerly Invitae), Labcorp
Classification: Pathogenic for Alstrom syndrome. Last evaluated: 2025-01-26. Review status: criteria provided, single submitter. Criteria: Invitae Variant Classification Sherloc (09022015). Collection method: clinical testing. Allele origin: germline.
Comment: This sequence change creates a premature translational stop signal (p.Gln1818*) in the ALMS1 gene. It is expected to result in an absent or disrupted protein product. Loss-of-function variants in ALMS1 are known to be pathogenic (PMID: 17594715). This variant is not present in population databases (gnomAD no frequency). This variant has not been reported in the literature in individuals affected with ALMS1-related conditions. For these reasons, this variant has been classified as Pathogenic.

Literature cited by the submitters: PubMed 17594715.